The following is an entry in ClinVar:

NM_138295.5(PKD1L1):c.4647C>T (p.Asn1549=)

Gene: PKD1L1 (polycystin 1 like 1, transient receptor potential channel interacting; minus strand). Cytogenetic location: 7p12.3.
Variant type: single nucleotide variant.
Coding change: c.4647C>T on transcript NM_138295.5 (MANE Select); coding-DNA position 4647, C replaced by T.
Protein change: p.Asn1549=; no amino-acid change (asparagine 1549 retained).
Molecular consequence: synonymous variant.
Genome position (GRCh38, 1-based): chr7:47,855,209, G>A on the plus strand (C>T on the coding strand, the complement: PKD1L1 is on the minus strand). VCF-style: chr7-47855209-G-A. GRCh37 (hg19) VCF-style: chr7-47894807-G-A.
Identifiers: ClinVar variation 3061458 (VCV003061458.2), dbSNP rs2483995629, ClinGen allele CA455155406.

ClinVar aggregate classification (germline): Likely benign (0 of 4 stars; one submission).

Conditions:
PKD1L1-related disorder. Also called: PKD1L1-related condition.

Submission:

PreventionGenetics, part of Exact Sciences
Classification: Likely benign for PKD1L1-related condition. Last evaluated: 2022-04-20. Review status: no assertion criteria provided. Collection method: clinical testing. Allele origin: germline.
Comment: This variant is classified as likely benign based on ACMG/AMP sequence variant interpretation guidelines (Richards et al. 2015 PMID: 25741868, with internal and published modifications).